The following is an entry in ClinVar:

NM_012203.2(GRHPR):c.532del (p.Gln178fs)

Gene: GRHPR (glyoxylate and hydroxypyruvate reductase; plus strand). Cytogenetic location: 9p13.2.
Variant type: Deletion.
Coding change: c.532del on transcript NM_012203.2 (MANE Select); coding-DNA position 532, one base deleted (C; older notation c.532delC).
Protein change: p.Gln178fs; shifts the reading frame from glutamine 178.
Molecular consequence: frameshift variant.
Genome position (GRCh38, 1-based): chr9:37,429,770, C deleted; the last of 2 consecutive C bases (chr9:37,429,769-37,429,770); deleting either gives the same sequence. VCF-style (leftmost placement, unchanged base first): chr9-37429768-TC-T. GRCh37 (hg19) VCF-style: chr9-37429765-TC-T.
Other names: short protein forms Q178fs.
Identifiers: ClinVar variation 1726644 (VCV001726644.2), dbSNP rs2118880130, ClinGen allele CA2580080521.

ClinVar aggregate classification (germline): Likely pathogenic (1 of 4 stars; one submission).

Conditions:
Primary hyperoxaluria, type II (HP2). Also called: OXALOSIS II; Primary hyperoxaluria type 2; D-GLYCERATE DEHYDROGENASE DEFICIENCY; GLYCERIC ACIDURIA; GLYOXYLATE REDUCTASE/HYDROXYPYRUVATE REDUCTASE DEFICIENCY. Identifiers: Orphanet 416, Orphanet 93599, MedGen C0268165, MONDO:0009824, OMIM 260000. Disease mechanism: loss of function.

Submission:

Myriad Genetics, Inc.
Classification: Likely pathogenic for Primary hyperoxaluria, type II. Last evaluated: 2021-12-30. Review status: criteria provided, single submitter. Criteria: Myriad Women's Health Autosomal Recessive and X-Linked Classification Criteria (2021). Collection method: clinical testing. Allele origin: unknown.
Comment: NM_012203.1(GRHPR):c.532delC(Q178Rfs*41) is expected to be pathogenic in the context of primary hyperoxaluria type 2. This variant is predicted to lead to an abnormal or absent protein product due to the creation of a premature termination codon in GRHPR, a gene where loss-of-function variants are known to be pathogenic. Please note: this variant was assessed in the context of healthy population screening.